The following is an entry in ClinVar:

NM_213655.5(WNK1):c.2420G>A (p.Gly807Glu)

Gene: WNK1 (WNK lysine deficient protein kinase 1; plus strand). Cytogenetic location: 12p13.33.
Variant type: single nucleotide variant.
Coding change: c.2420G>A on transcript NM_213655.5 (MANE Plus Clinical); coding-DNA position 2420, G replaced by A.
Protein change: p.Gly807Glu; replaces glycine 807 with glutamic acid.
Molecular consequence: missense variant. On other transcripts: intron variant (2).
Genome position (GRCh38, 1-based): chr12:867,891, G>A. VCF-style: chr12-867891-G-A. GRCh37 (hg19) VCF-style: chr12-977057-G-A.
Other names: c.2165G>A, p.Gly722Glu (NM_001184985.2); c.2140-3374G>A (NM_018979.4, NM_014823.3); short protein forms G722E, G807E.
Identifiers: ClinVar variation 1791016 (VCV001791016.2), dbSNP rs760693826, ClinGen allele CA383338673.

ClinVar aggregate classification (germline): Uncertain significance (1 of 4 stars; one submission).

Conditions:
Inborn genetic diseases. Identifiers: MedGen C0950123, MeSH D030342.

gnomAD v4.1: 1 of 1,613,928 alleles (0.000062%); highest among the groups gnomAD compares: Non-Finnish European, 0.000085%; no homozygotes.

Submission:

Ambry Genetics
Classification: Uncertain significance for Inborn genetic diseases. Last evaluated: 2022-07-27. Review status: criteria provided, single submitter. Criteria: Ambry Variant Classification Scheme 2023. Collection method: clinical testing. Allele origin: germline.
Comment: The p.G807E variant (also known as c.2420G>A), located in coding exon 10 of the WNK1 gene, results from a G to A substitution at nucleotide position 2420. The glycine at codon 807 is replaced by glutamic acid, an amino acid with similar properties. This amino acid position is highly conserved in available vertebrate species. In addition, this alteration is predicted to be deleterious by in silico analysis. Since supporting evidence is limited at this time, the clinical significance of this alteration remains unclear.